The following is an entry in ClinVar:

ClinVar aggregate classification (germline): Benign (1 of 4 stars; one submission).

Allele frequency attached by ClinVar (database versions not stated): 1000 Genomes Project 30x 0.62024; 1000 Genomes Project 0.62181; TOPMed 0.65545; gnomAD 0.67775 and 0.68112.
gnomAD v4.1: 103,580 of 152,028 alleles (68%); highest among the groups gnomAD compares: Non-Finnish European, 78%; 36,572 homozygotes.

Submission:

GeneDx
Classification: Benign. Last evaluated: 2018-06-14. Review status: criteria provided, single submitter. Criteria: GeneDx Variant Classification (06012015). Collection method: clinical testing. Allele origin: germline. Affected: yes.
Comment: This variant is considered likely benign or benign based on one or more of the following criteria: it is a conservative change, it occurs at a poorly conserved position in the protein, it is predicted to be benign by multiple in silico algorithms, and/or has population frequency not consistent with disease.

NM_006796.3(AFG3L2):c.753-273T>A

Gene: AFG3L2 (AFG3 like matrix AAA peptidase subunit 2; minus strand). Cytogenetic location: 18p11.21.
Variant type: single nucleotide variant.
Coding change: c.753-273T>A on transcript NM_006796.3 (MANE Select); 273 bases into the intron before coding-DNA position 753, T replaced by A.
Molecular consequence: intron variant.
Genome position (GRCh38, 1-based): chr18:12,359,216, A>T on the plus strand (T>A on the coding strand, the complement: AFG3L2 is on the minus strand). VCF-style: chr18-12359216-A-T. GRCh37 (hg19) VCF-style: chr18-12359215-A-T.
Identifiers: ClinVar variation 683207 (VCV000683207.1), dbSNP rs28372882, ClinGen allele CA14557325.